The following is an entry in ClinVar:

NM_017637.6(BNC2):c.2163C>G (p.Asp721Glu)

Genes: BNC2 (basonuclin zinc finger protein 2; minus strand), LOC126860585 (MED14-independent group 3 enhancer GRCh37_chr9:16435259-16436458; plus strand). Cytogenetic location: 9p22.3.
Variant type: single nucleotide variant.
Coding change: c.2163C>G on transcript NM_017637.6 (MANE Select); coding-DNA position 2163, C replaced by G.
Protein change: p.Asp721Glu; replaces aspartic acid 721 with glutamic acid.
Molecular consequence: missense variant.
Genome position (GRCh38, 1-based): chr9:16,436,031, G>C on the plus strand (C>G on the coding strand, the complement: BNC2 is on the minus strand). VCF-style: chr9-16436031-G-C. GRCh37 (hg19) VCF-style: chr9-16436029-G-C.
Other names: c.2037C>G, p.Asp679Glu (NM_001317939.2); c.1878C>G, p.Asp626Glu (NM_001317940.2); short protein forms D721E, D626E, D679E.
Identifiers: ClinVar variation 3664817 (VCV003664817.2).

ClinVar aggregate classification (germline): Uncertain significance (1 of 4 stars; one submission).

gnomAD v4.1: 11 of 1,614,136 alleles (0.00068%); highest among the groups gnomAD compares: Admixed American, 0.012%; no homozygotes.

Submission:

Labcorp Genetics (formerly Invitae), Labcorp
Classification: Uncertain significance. Last evaluated: 2025-04-14. Review status: criteria provided, single submitter. Criteria: Invitae Variant Classification Sherloc (09022015). Collection method: clinical testing. Allele origin: germline.
Comment: This sequence change replaces aspartic acid, which is acidic and polar, with glutamic acid, which is acidic and polar, at codon 721 of the BNC2 protein (p.Asp721Glu). This variant is present in population databases (rs181340855, gnomAD 0.006%). This variant has not been reported in the literature in individuals affected with BNC2-related conditions. ClinVar contains an entry for this variant (Variation ID: 3664817). An algorithm developed to predict the effect of missense changes on protein structure and function (PolyPhen-2) suggests that this variant is likely to be tolerated. In summary, the available evidence is currently insufficient to determine the role of this variant in disease. Therefore, it has been classified as a Variant of Uncertain Significance.